The following is an entry in ClinVar:

ClinVar aggregate classification (germline): Uncertain significance (1 of 4 stars; one submission).

Allele frequency attached by ClinVar (database versions not stated): gnomAD exomes below 0.00001.
gnomAD v4.1: 1 of 1,613,166 alleles (0.000062%); highest among the groups gnomAD compares: South Asian, 0.0011%; no homozygotes.

Submission:

Labcorp Genetics (formerly Invitae), Labcorp
Classification: Uncertain significance. Last evaluated: 2026-01-05. Review status: criteria provided, single submitter. Criteria: Invitae Variant Classification Sherloc (09022015). Collection method: clinical testing. Allele origin: germline.
Comment: This sequence change replaces isoleucine, which is neutral and non-polar, with valine, which is neutral and non-polar, at codon 2588 of the SPEG protein (p.Ile2588Val). This variant is not present in population databases (gnomAD no frequency). This variant has not been reported in the literature in individuals affected with SPEG-related conditions. ClinVar contains an entry for this variant (Variation ID: 1929729). An algorithm developed to predict the effect of missense changes on protein structure and function (PolyPhen-2) suggests that this variant is likely to be disruptive. In summary, the available evidence is currently insufficient to determine the role of this variant in disease. Therefore, it has been classified as a Variant of Uncertain Significance.

NM_005876.5(SPEG):c.7762A>G (p.Ile2588Val)

Genes: ASIC4-AS1 (ASIC4 antisense RNA 1; minus strand), SPEG (striated muscle enriched protein kinase; plus strand). Cytogenetic location: 2q35.
Variant type: single nucleotide variant.
Coding change: c.7762A>G on transcript NM_005876.5 (MANE Select); coding-DNA position 7762, A replaced by G.
Protein change: p.Ile2588Val; replaces isoleucine 2588 with valine.
Molecular consequence: missense variant.
Genome position (GRCh38, 1-based): chr2:219,488,214, A>G. VCF-style: chr2-219488214-A-G. GRCh37 (hg19) VCF-style: chr2-220352936-A-G.
Other names: short protein forms I2588V.
Identifiers: ClinVar variation 1929729 (VCV001929729.5), dbSNP rs2545991874, ClinGen allele CA350706296.
Genomic context (GRCh38, chr2:219,488,214, plus strand): 5'-GGTCCCTACAGATAGATGGCTGTCTCTGCTTTTCCTCCAGACTTCCCCCCAGTCTTCCAC[A>G]TCAAACTCAAGGACCAGGTGCTGCTGGAGGGGGAGGCAGCCACCCTGCTCTGCCTGCCAG-3'
Protein context (NP_005867.3, residues 2578-2598): SESDFPPVFH[Ile2588Val]KLKDQVLLEG